The following is an entry in ClinVar:

ClinVar aggregate classification (germline): Benign. Review status: criteria provided, multiple submitters, no conflicts (2 of 4 stars). 4 submissions from 4 submitters: Benign (3). 1 of the submissions does not count toward it. Last evaluated 2021-05-04.

Conditions:
DNAH6-related disorder. Also called: DNAH6-related condition.

Allele frequency attached by ClinVar (database versions not stated): gnomAD exomes 0.05529 and 0.05754; ExAC 0.07237; 1000 Genomes Project 0.09944; gnomAD 0.10246 and 0.10691; 1000 Genomes Project 30x 0.10478; ESP Exome Variant Server 0.10491; TOPMed 0.10670.
gnomAD v4.1: 96,455 of 1,552,234 alleles (6.2%); highest among the groups gnomAD compares: African/African-American, 24%; 4,495 homozygotes.

Submissions (4):

GeneDx
Classification: Benign. Last evaluated: 2021-05-04. Review status: criteria provided, single submitter. Criteria: GeneDx Variant Classification Process June 2021. Collection method: clinical testing. Allele origin: germline. Affected: yes.

Laboratory for Molecular Medicine, Mass General Brigham Personalized Medicine
Classification: Benign. Last evaluated: 2016-03-28. Review status: criteria provided, single submitter. Criteria: LMM Criteria. Collection method: clinical testing. Allele origin: germline.
Comment: Variant identified in a genome or exome case(s) and assessed due to predicted null impact of the variant or pathogenic assertions in the literature or databases. Disclaimer: This variant has not undergone full assessment. The following are preliminary notes: MAF

Breakthrough Genomics
Classification: Benign. Review status: criteria provided, single submitter. Criteria: ACMG Guidelines, 2015. Collection method: not provided. Allele origin: germline. Inheritance: Unknown mechanism. Affected: yes.

PreventionGenetics, part of Exact Sciences
Classification: Benign for DNAH6-related condition. Last evaluated: 2019-10-28. Review status: no assertion criteria provided. Collection method: clinical testing. Allele origin: germline. Not counted in ClinVar's aggregate classification.
Comment: This variant is classified as benign based on ACMG/AMP sequence variant interpretation guidelines (Richards et al. 2015 PMID: 25741868, with internal and published modifications).

NM_001370.2(DNAH6):c.7353A>G (p.Thr2451=)

Gene: DNAH6 (dynein axonemal heavy chain 6; plus strand). Cytogenetic location: 2p11.2.
Variant type: single nucleotide variant.
Coding change: c.7353A>G on transcript NM_001370.2 (MANE Select); coding-DNA position 7353, A replaced by G.
Protein change: p.Thr2451=; no amino-acid change (threonine 2451 retained).
Molecular consequence: synonymous variant.
Genome position (GRCh38, 1-based): chr2:84,694,309, A>G. VCF-style: chr2-84694309-A-G. GRCh37 (hg19) VCF-style: chr2-84921433-A-G.
Identifiers: ClinVar variation 402741 (VCV000402741.8), dbSNP rs1192295, ClinGen allele CA1737407.